The following is an entry in ClinVar:

ClinVar aggregate classification (germline): Uncertain significance (1 of 4 stars; one submission).

Conditions:
Intellectual developmental disorder, autosomal dominant 22. Also called: Intellectual disability, autosomal dominant 22. Identifiers: MedGen CN029689, MONDO:0012869, OMIM 612337.

Submission:

Victorian Clinical Genetics Services, Murdoch Childrens Research Institute
Classification: Uncertain significance for Intellectual developmental disorder, autosomal dominant 22. Last evaluated: 2026-02-08. Review status: criteria provided, single submitter. Criteria: ACMG Guidelines, 2015. Collection method: clinical testing. Allele origin: germline. Affected: yes.
Comment: This variant is classified as VUS-3A. Evidence in support of pathogenic classification: Variant is absent from gnomAD (v2, v3 and v4); Additional information: Variant is predicted to result in a missense amino acid change from Lys to Arg; This variant is heterozygous; This gene is associated with autosomal dominant disease; This variant has no previous evidence of pathogenicity; No published evidence of segregation with disease has been identified for this variant; No published functional evidence has been identified for this variant; No comparable missense variants have previous evidence for pathogenicity; Variant is not located in an established domain, motif, hotspot or informative constraint region; Missense variant with inconclusive in silico prediction and/or uninformative conservation; Loss of function is a known mechanism of disease in this gene and is associated with intellectual developmental disorder, autosomal dominant 22 (MIM#612337); Variants in this gene are known to have variable expressivity (OMIM).

NM_205768.3(ZBTB18):c.1334A>G (p.Lys445Arg)

Gene: ZBTB18 (zinc finger and BTB domain containing 18; plus strand). Cytogenetic location: 1q44.
Variant type: single nucleotide variant.
Coding change: c.1334A>G on transcript NM_205768.3 (MANE Select); coding-DNA position 1334, A replaced by G.
Protein change: p.Lys445Arg; replaces lysine 445 with arginine.
Molecular consequence: missense variant. On other transcripts: 3 prime UTR variant (1).
Genome position (GRCh38, 1-based): chr1:244,055,108, A>G. VCF-style: chr1-244055108-A-G. GRCh37 (hg19) VCF-style: chr1-244218410-A-G.
Other names: c.1307A>G, p.Lys436Arg (NM_001278196.2, NM_006352.5); c.*511A>G (NM_001421566.1); short protein forms K436R, K445R.
Identifiers: ClinVar variation 4819069 (VCV004819069.1).
Genomic context (GRCh38, chr1:244,055,108, plus strand): 5'-GGAAGACTTTCTCTTGCATGTACACCCTCAAGCGCCACGAGAGGACTCACTCGGGGGAGA[A>G]GCCCTACACATGCACCCAGTGCGGCAAGAGCTTCCAGTACTCGCACAACCTGAGCCGCCA-3'
Protein context (NP_991331.1, residues 435-455): KRHERTHSGE[Lys445Arg]PYTCTQCGKS